The following is an entry in ClinVar:

NM_000059.4(BRCA2):c.2479A>C (p.Asn827His)

Gene: BRCA2 (BRCA2 DNA repair associated; plus strand). Cytogenetic location: 13q13.1.
Variant type: single nucleotide variant.
Coding change: c.2479A>C on transcript NM_000059.4 (MANE Select); coding-DNA position 2479, A replaced by C.
Protein change: p.Asn827His; replaces asparagine 827 with histidine.
Molecular consequence: missense variant. On other transcripts: non-coding transcript variant (1), intron variant (2).
Genome position (GRCh38, 1-based): chr13:32,336,834, A>C. VCF-style: chr13-32336834-A-C. GRCh37 (hg19) VCF-style: chr13-32910971-A-C.
Other names: c.2479A>C, p.Asn827His (NM_001406719.1, NM_001406720.1); c.1909+3447A>C (NM_001406721.1); c.424+5804A>C (NM_001406722.1); short protein forms N827H.
Identifiers: ClinVar variation 2565975 (VCV002565975.2), dbSNP rs2137486961, ClinGen allele CA387772380.
Genomic context (GRCh38, chr13:32,336,834, plus strand): 5'-GTTGAATTAACCAAAAATATTCCCATGGAAAAGAATCAAGATGTATGTGCTTTAAATGAA[A>C]ATTATAAAAACGTTGAGCTGTTGCCACCTGAAAAATACATGAGAGTAGCATCACCTTCAA-3'
Protein context (NP_000050.3, residues 817-837): KNQDVCALNE[Asn827His]YKNVELLPPE

ClinVar aggregate classification (germline): Uncertain significance (1 of 4 stars; one submission).

Conditions:
Hereditary cancer-predisposing syndrome. Also called: Neoplastic Syndromes, Hereditary; Hereditary Cancer Syndrome; Hereditary neoplastic syndrome; Tumor predisposition. Identifiers: Orphanet 140162, MedGen C0027672, MeSH D009386, MONDO:0015356.

Submission:

Ambry Genetics
Classification: Uncertain significance for Hereditary cancer-predisposing syndrome. Last evaluated: 2023-03-25. Review status: criteria provided, single submitter. Criteria: Ambry Variant Classification Scheme 2023. Collection method: clinical testing. Allele origin: germline.
Comment: The p.N827H variant (also known as c.2479A>C), located in coding exon 10 of the BRCA2 gene, results from an A to C substitution at nucleotide position 2479. The asparagine at codon 827 is replaced by histidine, an amino acid with similar properties. This amino acid position is conserved. In addition, this alteration is predicted to be tolerated by in silico analysis. Since supporting evidence is limited at this time, the clinical significance of this alteration remains unclear.